The following is an entry in ClinVar:

NM_000051.4(ATM):c.5748_5750del (p.Met1916_Arg1917delinsIle)

Gene: ATM (ATM serine/threonine kinase; plus strand). Cytogenetic location: 11q22.3.
Variant type: Deletion.
Coding change: c.5748_5750del on transcript NM_000051.4 (MANE Select); coding-DNA positions 5748 to 5750, 3 bases deleted (GAG; older notation c.5748_5750delGAG).
Protein change: p.Met1916_Arg1917delinsIle.
Molecular consequence: inframe indel.
Genome position (GRCh38, 1-based): chr11:108,307,970-108,307,972, GAG deleted. VCF-style (leftmost placement, unchanged base first): chr11-108307969-TGAG-T. GRCh37 (hg19) VCF-style: chr11-108178696-TGAG-T.
Other names: c.5748_5750delGAG (NM_000051.3, NM_000051.4); c.5748_5750del, p.Met1916_Arg1917delinsIle (NM_001351834.2).
Identifiers: ClinVar variation 232053 (VCV000232053.11), dbSNP rs876659524, ClinGen allele CA10579194.

ClinVar aggregate classification (germline): Uncertain significance. Review status: criteria provided, multiple submitters, no conflicts (2 of 4 stars). 3 submissions from 3 submitters: Uncertain significance (3). Last evaluated 2025-03-04.

Conditions:
Hereditary cancer-predisposing syndrome. Also called: Hereditary Cancer Syndrome; Neoplastic Syndromes, Hereditary; Tumor predisposition; Hereditary neoplastic syndrome. Identifiers: Orphanet 140162, MedGen C0027672, MeSH D009386, MONDO:0015356.
Ataxia-telangiectasia syndrome (AT). Also called: Ataxia telangiectasia (A-T); Ataxia-telangiectasia, complementation group E; LOUIS-BAR SYNDROME; Cerebello-oculocutaneous telangiectasia; Immunodeficiency with ataxia telangiectasia; Ataxia-telangiectasia, complementation group D. Identifiers: Orphanet 100, MedGen C0004135, MONDO:0008840, OMIM 208900.

Submissions (3):

Center for Genomic Medicine, Rigshospitalet, Copenhagen University Hospital
Classification: Uncertain significance. Last evaluated: 2025-03-04. Review status: criteria provided, single submitter. Criteria: ACMG Guidelines, 2015. Collection method: clinical testing. Allele origin: germline.
Comment: Classification criteria: BP2_Moderate, PM2_supporting

Labcorp Genetics (formerly Invitae), Labcorp
Classification: Uncertain significance for Ataxia-telangiectasia syndrome. Last evaluated: 2022-04-12. Review status: criteria provided, single submitter. Criteria: Invitae Variant Classification Sherloc (09022015). Collection method: clinical testing. Allele origin: germline.
Comment: This variant, c.5748_5750del, is a complex sequence change that results in the deletion of 2 and insertion of 1 amino acid(s) in the ATM protein (p.Met1916_Arg1917delinsIle). This variant is not present in population databases (gnomAD no frequency). This variant has been observed in individual(s) with chronic lymphocytic leukemia (PMID: 23585524). ClinVar contains an entry for this variant (Variation ID: 232053). Experimental studies and prediction algorithms are not available or were not evaluated, and the functional significance of this variant is currently unknown. In summary, the available evidence is currently insufficient to determine the role of this variant in disease. Therefore, it has been classified as a Variant of Uncertain Significance.

Ambry Genetics
Classification: Uncertain significance for Hereditary cancer-predisposing syndrome. Last evaluated: 2015-05-27. Review status: criteria provided, single submitter. Criteria: Ambry Variant Classification Scheme 2023. Collection method: clinical testing. Allele origin: germline.
Comment: The c.5748_5750delGAG variant (also known as p.M1916_R1917delinsI) located in coding exon 37 of the ATM gene. This variant results from an in-frame deletion of 3 nucleotides at positions 5748 to 5750. This results in the removal of two highly-conserved methionine and arginine residues and substitution with an isoleucine at residue 1916. This variant was not reported in population based cohorts in the following databases: Database of Single Nucleotide Polymorphisms (dbSNP), NHLBI Exome Sequencing Project (ESP), and 1000 Genomes Project. In the ESP, this variant was not observed in 6499 samples (12998 alleles) with coverage at this position. To date, this alteration has been detected with an allele frequency of approximately 0.002% (greater than 66000 alleles tested) in our clinical cohort. This amino acid position is highly conserved in available vertebrate species. Since supporting evidence is limited at this time, the clinical significance of c.5748_5750delGAG remains unclear.

Literature cited by the submitters: PubMed 23585524 (cited by Labcorp Genetics (formerly Invitae), Labcorp).